The following is an entry in ClinVar:

ClinVar aggregate classification (germline): Benign (1 of 4 stars; one submission).

Conditions:
Quebec platelet disorder (QPD). Also called: FACTOR V QUEBEC; BLEEDING DISORDER, PLATELET-TYPE, 5. Identifiers: Orphanet 220436, MedGen C1866423, MONDO:0011136, OMIM 601709.

Allele frequency attached by ClinVar (database versions not stated): TOPMed 0.00016; ExAC 0.00032; gnomAD exomes 0.00020 and 0.00023; ESP Exome Variant Server 0.00046; gnomAD 0.00019.
gnomAD v4.1: 314 of 1,613,924 alleles (0.019%); highest among the groups gnomAD compares: Admixed American, 0.043%; no homozygotes.

Submission:

Illumina Laboratory Services, Illumina
Classification: Benign for Quebec platelet disorder. Last evaluated: 2018-01-12. Review status: criteria provided, single submitter. Criteria: ICSL Variant Classification Criteria 13 December 2019. Collection method: clinical testing. Allele origin: germline.
Comment: This variant was observed in the ICSL laboratory as part of a predisposition screen in an ostensibly healthy population. It had not been previously curated by ICSL or reported in the Human Gene Mutation Database (HGMD: prior to June 1st, 2018), and was therefore a candidate for classification through an automated scoring system. Utilizing variant allele frequency, disease prevalence and penetrance estimates, and inheritance mode, an automated score was calculated to assess if this variant is too frequent to cause the disease. Based on the score and internal cut-off values, a variant classified as benign is not then subjected to further curation. The score for this variant resulted in a classification of benign for this disease.

NM_002658.6(PLAU):c.706A>G (p.Ile236Val)

Genes: C10orf55 (chromosome 10 putative open reading frame 55; minus strand), PLAU (plasminogen activator, urokinase; plus strand), LOC126860960 (BRD4-independent group 4 enhancer GRCh37_chr10:75672789-75673988; plus strand). Cytogenetic location: 10q22.2.
Variant type: single nucleotide variant.
Coding change: c.706A>G on transcript NM_002658.6 (MANE Select); coding-DNA position 706, A replaced by G.
Protein change: p.Ile236Val; replaces isoleucine 236 with valine.
Molecular consequence: missense variant.
Genome position (GRCh38, 1-based): chr10:73,914,005, A>G. VCF-style: chr10-73914005-A-G. GRCh37 (hg19) VCF-style: chr10-75673763-A-G.
Other names: c.655A>G, p.Ile219Val (NM_001145031.3); c.448A>G, p.Ile150Val (NM_001319191.2); short protein forms I236V, I219V, I150V.
Identifiers: ClinVar variation 300754 (VCV000300754.5), dbSNP rs150389556, ClinGen allele CA5562513.
Genomic context (GRCh38, chr10:73,914,005, plus strand): 5'-GGACTAAGCTGTTTGATGGGTATCTTCTCCCACAGTGATTACCCAAAGAAGGAGGACTAC[A>G]TCGTCTACCTGGGTCGCTCAAGGCTTAACTCCAACACGCAAGGGGAGATGAAGTTTGAGG-3'
Protein context (NP_002649.2, residues 226-246): FIDYPKKEDY[Ile236Val]VYLGRSRLNS